The following is an entry in ClinVar:

NM_000059.4(BRCA2):c.1471A>G (p.Thr491Ala)

Gene: BRCA2 (BRCA2 DNA repair associated; plus strand). Cytogenetic location: 13q13.1.
Variant type: single nucleotide variant.
Coding change: c.1471A>G on transcript NM_000059.4 (MANE Select); coding-DNA position 1471, A replaced by G.
Protein change: p.Thr491Ala; replaces threonine 491 with alanine.
Molecular consequence: missense variant.
Genome position (GRCh38, 1-based): chr13:32,332,949, A>G. VCF-style: chr13-32332949-A-G. GRCh37 (hg19) VCF-style: chr13-32907086-A-G.
Other names: short protein forms T491A.
Identifiers: ClinVar variation 584847 (VCV000584847.15), dbSNP rs1566223650, ClinGen allele CA387764398.

ClinVar aggregate classification (germline): Conflicting classifications of pathogenicity. Review status: criteria provided, conflicting classifications (1 of 4 stars). 5 submissions from 5 submitters: Uncertain significance (4); Likely benign (1). Last evaluated 2024-05-14.

Conditions:
Hereditary breast ovarian cancer syndrome. Also called: Hereditary breast and ovarian cancer syndrome (HBOC); Breast and ovarian cancer; Hereditary breast and ovarian cancer syndrome; Hereditary breast and ovarian cancer; BRCA1- and BRCA2-Associated Hereditary Breast and Ovarian Cancer; Hereditary breast and/or ovarian cancer syndrome. Identifiers: Orphanet 145, MedGen C0677776, MeSH D061325, MONDO:0003582. Disease mechanism: loss of function.
Hereditary cancer-predisposing syndrome. Also called: Neoplastic Syndromes, Hereditary; Hereditary Cancer Syndrome; Tumor predisposition; Hereditary neoplastic syndrome. Identifiers: Orphanet 140162, MedGen C0027672, MeSH D009386, MONDO:0015356.
BRCA2-related cancer predisposition. Identifiers: MedGen CN377758, MONDO:0700269.
Breast-ovarian cancer, familial, susceptibility to, 2 (BROVCA2). Also called: BRCA2 Hereditary Breast and Ovarian Cancer. Identifiers: Orphanet 145, MedGen C2675520, MONDO:0012933, OMIM 612555. Disease mechanism: loss of function.

Submissions (5):

All of Us Research Program, National Institutes of Health
Classification: Uncertain significance for BRCA2-related cancer predisposition. Last evaluated: 2024-05-14. Review status: criteria provided, single submitter. Criteria: ACMG Guidelines, 2015. Collection method: clinical testing. Allele origin: germline. Inheritance: Autosomal dominant inheritance. Observed: 1 variant allele, 1 heterozygote.
Comment: This missense variant replaces threonine with alanine at codon 491 of the BRCA2 protein. Computational prediction suggests that this variant may not impact protein structure and function. To our knowledge, functional studies have not been reported for this variant. This variant has been reported in an individual affected with breast cancer (PMID: 33471991; Leiden Open Variation Database DB-ID BRCA2_007829). This variant has not been identified in the general population by the Genome Aggregation Database (gnomAD). The available evidence is insufficient to determine the role of this variant in disease conclusively. Therefore, this variant is classified as a Variant of Uncertain Significance.

This study involves interpretation of variants in research participants for the purpose of population health screening. Participant phenotype was not available at the time of variant classification. Additional details can be found in publication PMID: 35346344, PMCID: PMC8962531

University of Washington Department of Laboratory Medicine, University of Washington
Classification: Likely benign for Hereditary cancer-predisposing syndrome. Last evaluated: 2023-03-23. Review status: criteria provided, single submitter. Criteria: Dines et al. (Genet Med. 2020). Collection method: curation. Allele origin: germline.
Comment: Missense variant in a coldspot region where missense variants are very unlikely to be pathogenic (PMID:31911673).

BRCA2 exon 10 coldspot. Reclassification based on statistical prior probability.

Labcorp Genetics (formerly Invitae), Labcorp
Classification: Uncertain significance for Hereditary breast ovarian cancer syndrome. Last evaluated: 2022-08-03. Review status: criteria provided, single submitter. Criteria: Invitae Variant Classification Sherloc (09022015). Collection method: clinical testing. Allele origin: germline.
Comment: In summary, the available evidence is currently insufficient to determine the role of this variant in disease. Therefore, it has been classified as a Variant of Uncertain Significance. Advanced modeling of protein sequence and biophysical properties (such as structural, functional, and spatial information, amino acid conservation, physicochemical variation, residue mobility, and thermodynamic stability) performed at Invitae indicates that this missense variant is not expected to disrupt BRCA2 protein function. ClinVar contains an entry for this variant (Variation ID: 584847). This variant has not been reported in the literature in individuals affected with BRCA2-related conditions. This variant is not present in population databases (gnomAD no frequency). This sequence change replaces threonine, which is neutral and polar, with alanine, which is neutral and non-polar, at codon 491 of the BRCA2 protein (p.Thr491Ala).

Mendelics
Classification: Uncertain significance for Breast-ovarian cancer, familial, susceptibility to, 2. Last evaluated: 2019-05-28. Review status: criteria provided, single submitter. Criteria: Mendelics Assertion Criteria 2017. Collection method: clinical testing. Allele origin: unknown.

Ambry Genetics
Classification: Uncertain significance for Hereditary cancer-predisposing syndrome. Last evaluated: 2019-02-14. Review status: criteria provided, single submitter. Criteria: Ambry Variant Classification Scheme 2023. Collection method: clinical testing. Allele origin: germline.
Comment: The p.T491A variant (also known as c.1471A>G), located in coding exon 9 of the BRCA2 gene, results from an A to G substitution at nucleotide position 1471. The threonine at codon 491 is replaced by alanine, an amino acid with similar properties. This amino acid position is not well conserved in available vertebrate species. In addition, this alteration is predicted to be tolerated by in silico analysis. Since supporting evidence is limited at this time, the clinical significance of this alteration remains unclear.

Literature cited by the submitters: PubMed 33471991 (cited by All of Us Research Program, National Institutes of Health).